The following is an entry in ClinVar:

ClinVar aggregate classification (germline): Benign. Review status: criteria provided, multiple submitters, no conflicts (2 of 4 stars). 6 submissions from 6 submitters: Benign (6). Last evaluated 2026-01-26.

Conditions:
Multiple cutaneous and mucosal venous malformations (VMCM). Also called: TEK-Related Multiple Cutaneous and Mucosal Venous Malformations (VMCM). Identifiers: Orphanet 2451, MedGen C1838437, MONDO:0010842, OMIM 600195.

Allele frequency attached by ClinVar (database versions not stated): 1000 Genomes Project 0.15096; gnomAD 0.20752 and 0.20513; gnomAD exomes 0.21026 and 0.25036; ESP Exome Variant Server 0.21129; ExAC 0.21137; 1000 Genomes Project 30x 0.15256; TOPMed 0.18771.
gnomAD v4.1: 396,478 of 1,613,708 alleles (25%); highest among the groups gnomAD compares: Non-Finnish European, 27%; 51,819 homozygotes.

Submissions (6):

Labcorp Genetics (formerly Invitae), Labcorp
Classification: Benign. Last evaluated: 2026-01-26. Review status: criteria provided, single submitter. Criteria: Invitae Variant Classification Sherloc (09022015). Collection method: clinical testing. Allele origin: germline.

Blueprint Genetics
Classification: Benign. Last evaluated: 2024-11-27. Review status: criteria provided, single submitter. Criteria: ACMG Guidelines, 2015. Collection method: clinical testing. Allele origin: germline.

Mayo Clinic Laboratories, Mayo Clinic
Classification: Benign. Last evaluated: 2022-04-26. Review status: criteria provided, single submitter. Criteria: ACMG Guidelines, 2015. Collection method: clinical testing. Allele origin: germline. Observed: 342 variant alleles.

GeneDx
Classification: Benign. Last evaluated: 2021-05-05. Review status: criteria provided, single submitter. Criteria: GeneDx Variant Classification Process June 2021. Collection method: clinical testing. Allele origin: germline. Affected: yes.

Illumina Laboratory Services, Illumina
Classification: Benign for Multiple cutaneous and mucosal venous malformations. Last evaluated: 2018-01-13. Review status: criteria provided, single submitter. Criteria: ICSL Variant Classification Criteria 13 December 2019. Collection method: clinical testing. Allele origin: germline.
Comment: This variant was observed in the ICSL laboratory as part of a predisposition screen in an ostensibly healthy population. It had not been previously curated by ICSL or reported in the Human Gene Mutation Database (HGMD: prior to June 1st, 2018), and was therefore a candidate for classification through an automated scoring system. Utilizing variant allele frequency, disease prevalence and penetrance estimates, and inheritance mode, an automated score was calculated to assess if this variant is too frequent to cause the disease. Based on the score and internal cut-off values, a variant classified as benign is not then subjected to further curation. The score for this variant resulted in a classification of benign for this disease.

Breakthrough Genomics
Classification: Benign. Review status: criteria provided, single submitter. Criteria: ACMG Guidelines, 2015. Collection method: not provided. Allele origin: germline. Inheritance: Autosomal dominant inheritance. Affected: yes.

NM_000459.5(TEK):c.2322G>A (p.Arg774=)

Gene: TEK (TEK receptor tyrosine kinase; plus strand). Cytogenetic location: 9p21.2.
Variant type: single nucleotide variant.
Coding change: c.2322G>A on transcript NM_000459.5 (MANE Select); coding-DNA position 2322, G replaced by A.
Protein change: p.Arg774=; no amino-acid change (arginine 774 retained).
Molecular consequence: synonymous variant.
Genome position (GRCh38, 1-based): chr9:27,205,023, G>A. VCF-style: chr9-27205023-G-A. GRCh37 (hg19) VCF-style: chr9-27205021-G-A.
Other names: p.Arg774=; c.2322G>A (NM_000459.4); c.2193G>A, p.Arg731= (NM_001290077.2, NM_001375476.1); c.1881G>A, p.Arg627= (NM_001290078.2); c.2322G>A, p.Arg774= (NM_001375475.1).
Identifiers: ClinVar variation 366439 (VCV000366439.17), dbSNP rs542913, ClinGen allele CA5016464.
Genomic context (GRCh38, chr9:27,205,023, plus strand): 5'-TGCTGGAATGACCTGCCTGACTGTGCTGTTGGCCTTTCTGATCATATTGCAATTGAAGAG[G>A]GCAAATGTGCAAAGGAGAATGGCCCAAGCCTTCCAAAACGTGGTAGTGTCTCATCTTCCT-3'
Protein context (NP_000450.3, residues 764-784): LAFLIILQLK[Arg774=]ANVQRRMAQA